The following is an entry in ClinVar:

ClinVar aggregate classification (germline): Uncertain significance (1 of 4 stars; one submission).

Conditions:
Hypertrophic cardiomyopathy. Also called: HYPERTROPHIC MYOCARDIOPATHY. Identifiers: Orphanet 217569, MedGen C0007194, MeSH D002312, MONDO:0005045, HP:0001639.

Allele frequency attached by ClinVar (database versions not stated): gnomAD 0.00001; ExAC 0.00002; TOPMed 0.00004.
gnomAD v4.1: 21 of 1,604,432 alleles (0.0013%); highest among the groups gnomAD compares: East Asian, 0.038%; no homozygotes.

Submission:

Labcorp Genetics (formerly Invitae), Labcorp
Classification: Uncertain significance for Hypertrophic cardiomyopathy. Last evaluated: 2026-01-11. Review status: criteria provided, single submitter. Criteria: Invitae Variant Classification Sherloc (09022015). Collection method: clinical testing. Allele origin: germline.
Comment: This sequence change replaces glycine, which is neutral and non-polar, with valine, which is neutral and non-polar, at codon 836 of the MYOM1 protein (p.Gly836Val). This variant is present in population databases (rs758019001, gnomAD 0.05%). This missense change has been observed in individual(s) with hypertrophic cardiomyopathy (PMID: 28323875). ClinVar contains an entry for this variant (Variation ID: 651733). An algorithm developed to predict the effect of missense changes on protein structure and function (PolyPhen-2) suggests that this variant is likely to be disruptive. Algorithms developed to predict the effect of sequence changes on RNA splicing suggest that this variant may disrupt the consensus splice site. In summary, the available evidence is currently insufficient to determine the role of this variant in disease. Therefore, it has been classified as a Variant of Uncertain Significance.

Literature cited by the submitters: PubMed 28323875.

NM_003803.4(MYOM1):c.2507G>T (p.Gly836Val)

Gene: MYOM1 (myomesin 1; minus strand). Cytogenetic location: 18p11.31.
Variant type: single nucleotide variant.
Coding change: c.2507G>T on transcript NM_003803.4 (MANE Select); coding-DNA position 2507, G replaced by T.
Protein change: p.Gly836Val; replaces glycine 836 with valine.
Molecular consequence: missense variant. On other transcripts: intron variant (1).
Genome position (GRCh38, 1-based): chr18:3,129,519, C>A on the plus strand (G>T on the coding strand, the complement: MYOM1 is on the minus strand). VCF-style: chr18-3129519-C-A. GRCh37 (hg19) VCF-style: chr18-3129517-C-A.
Other names: c.2506+1856G>T (NM_019856.2); short protein forms G836V.
Identifiers: ClinVar variation 651733 (VCV000651733.8), dbSNP rs758019001, ClinGen allele CA8874590.